The following is an entry in ClinVar:

ClinVar aggregate classification (germline): Uncertain significance (1 of 4 stars; one submission).

Conditions:
Hearing loss, autosomal recessive 99. Also called: DEAFNESS, AUTOSOMAL RECESSIVE 99. Identifiers: MedGen C4760579, MONDO:0032776, OMIM 618481.

Allele frequency attached by ClinVar (database versions not stated): gnomAD 0.00002; TOPMed 0.00002.
gnomAD v4.1: 57 of 1,613,530 alleles (0.0035%); highest among the groups gnomAD compares: Non-Finnish European, 0.0046%; no homozygotes.

Submission:

Baylor Genetics
Classification: Uncertain significance for Hearing loss, autosomal recessive 99. Last evaluated: 2020-02-24. Review status: criteria provided, single submitter. Criteria: ACMG Guidelines, 2015. Collection method: clinical testing. Allele origin: unknown. Affected: yes.
Comment: This variant was determined to be of uncertain significance according to ACMG Guidelines, 2015 [PMID:25741868].

NM_001304438.2(TMEM132E):c.2730C>G (p.Ile910Met)

Gene: TMEM132E (transmembrane protein 132E; plus strand). Cytogenetic location: 17q12.
Variant type: single nucleotide variant.
Coding change: c.2730C>G on transcript NM_001304438.2 (MANE Select); coding-DNA position 2730, C replaced by G.
Protein change: p.Ile910Met; replaces isoleucine 910 with methionine.
Molecular consequence: missense variant.
Genome position (GRCh38, 1-based): chr17:34,637,737, C>G. VCF-style: chr17-34637737-C-G. GRCh37 (hg19) VCF-style: chr17-32964756-C-G.
Other names: short protein forms I910M.
Identifiers: ClinVar variation 1030372 (VCV001030372.1), dbSNP rs763524517, ClinGen allele CA8497025.
Genomic context (GRCh38, chr17:34,637,737, plus strand): 5'-CATGTACGCGCTGCTGGGCGTCTTCTGCCTCGCCATCCTCGTCTTCCTCATCAACTGCAT[C>G]GTTTTTGTGCTGCGCTACCGGCACAAGCGCATCCCGCCCGAGGGCCAGACCAGCATGGAC-3'
Protein context (NP_001291367.1, residues 900-920): LAILVFLINC[Ile910Met]VFVLRYRHKR